The following is an entry in ClinVar:

NM_000238.4(KCNH2):c.544_551dup (p.Ala185fs)

Gene: KCNH2 (potassium voltage-gated channel subfamily H member 2; minus strand). Cytogenetic location: 7q36.1.
Variant type: Duplication.
Coding change: c.544_551dup on transcript NM_000238.4 (MANE Select); coding-DNA positions 544 to 551, 8 bases duplicated (TCGGGCGG; older notation c.544_551dupTCGGGCGG).
Protein change: p.Ala185fs; shifts the reading frame from alanine 185.
Molecular consequence: frameshift variant.
Genome position (GRCh38, 1-based): chr7:150,958,424-150,958,431, CCGCCCGA duplicated on the plus strand (TCGGGCGG on the coding strand, the reverse complement: KCNH2 is on the minus strand); duplicating any 8 consecutive bases within chr7:150,958,424-150,958,435 gives the same sequence; the c. name uses the placement nearest the transcript's 3' end. VCF-style (leftmost placement, unchanged base first): chr7-150958423-G-GCCGCCCGA. GRCh37 (hg19) VCF-style: chr7-150655511-G-GCCGCCCGA.
Other names: c.544_551dupTCGGGCGG (NM_000238.2); c.252_259dup, p.Ala89Argfs (NM_001406753.1, NM_001406756.1); c.363_370dup, p.Ala126Argfs (NM_001406755.1); c.240_247dup, p.Ala85Argfs (NM_001406757.1); c.540_547dup, p.Ala185Argfs (NM_172056.3); short protein forms A185fs.
Identifiers: ClinVar variation 524038 (VCV000524038.12), dbSNP rs1554427931, ClinGen allele CA658797049.

ClinVar aggregate classification (germline): Pathogenic/Likely pathogenic. Review status: criteria provided, multiple submitters, no conflicts (2 of 4 stars). 2 submissions from 2 submitters: Pathogenic (1); Likely pathogenic (1). Last evaluated 2021-11-30.

Conditions:
Long QT syndrome (LQTS). Identifiers: MedGen C0023976, MeSH D008133, MONDO:0002442. Disease mechanism: loss of function. Inheritance: Various modes of inheritance.

Submissions (2):

Labcorp Genetics (formerly Invitae), Labcorp
Classification: Pathogenic for Long QT syndrome. Last evaluated: 2021-11-30. Review status: criteria provided, single submitter. Criteria: Invitae Variant Classification Sherloc (09022015). Collection method: clinical testing. Allele origin: germline.
Comment: This variant is not present in population databases (gnomAD no frequency). This variant has not been reported in the literature in individuals affected with KCNH2-related conditions. ClinVar contains an entry for this variant (Variation ID: 524038). For these reasons, this variant has been classified as Pathogenic. This sequence change creates a premature translational stop signal (p.Ala185Argfs*19) in the KCNH2 gene. It is expected to result in an absent or disrupted protein product. Loss-of-function variants in KCNH2 are known to be pathogenic (PMID: 10973849, 19862833).

GeneDx
Classification: Likely pathogenic. Last evaluated: 2020-07-08. Review status: criteria provided, single submitter. Criteria: GeneDx Variant Classification Process June 2021. Collection method: clinical testing. Allele origin: germline. Affected: yes.
Comment: Has not been previously published as pathogenic or benign to our knowledge; Not observed in large population cohorts (Lek et al., 2016); Frameshift variant predicted to result in protein truncation or nonsense mediated decay in a gene for which loss-of-function is a known mechanism of disease

Literature cited by the submitters: PubMed 10973849 (cited by Labcorp Genetics (formerly Invitae), Labcorp); PubMed 19862833 (cited by Labcorp Genetics (formerly Invitae), Labcorp).